The following is an entry in ClinVar:

ClinVar aggregate classification (germline): Uncertain significance (1 of 4 stars; one submission).

Conditions:
Hereditary cancer-predisposing syndrome. Also called: Neoplastic Syndromes, Hereditary; Tumor predisposition; Hereditary Cancer Syndrome; Hereditary neoplastic syndrome. Identifiers: Orphanet 140162, MedGen C0027672, MeSH D009386, MONDO:0015356.

Submission:

Ambry Genetics
Classification: Uncertain significance for Hereditary cancer-predisposing syndrome. Last evaluated: 2024-09-03. Review status: criteria provided, single submitter. Criteria: Ambry Variant Classification Scheme 2023. Collection method: clinical testing. Allele origin: germline.
Comment: The p.S280C variant (also known as c.838A>T), located in coding exon 4 of the MSH6 gene, results from an A to T substitution at nucleotide position 838. The serine at codon 280 is replaced by cysteine, an amino acid with dissimilar properties. This amino acid position is conserved. In addition, the in silico prediction for this alteration is inconclusive. Since supporting evidence is limited at this time, the clinical significance of this alteration remains unclear.

NM_000179.3(MSH6):c.838A>T (p.Ser280Cys)

Gene: MSH6 (mutS homolog 6; plus strand). Cytogenetic location: 2p16.3.
Variant type: single nucleotide variant.
Coding change: c.838A>T on transcript NM_000179.3 (MANE Select); coding-DNA position 838, A replaced by T.
Protein change: p.Ser280Cys; replaces serine 280 with cysteine.
Molecular consequence: missense variant. On other transcripts: 5 prime UTR variant (2).
Genome position (GRCh38, 1-based): chr2:47,798,821, A>T. VCF-style: chr2-47798821-A-T. GRCh37 (hg19) VCF-style: chr2-48025960-A-T.
Other names: c.448A>T, p.Ser150Cys (NM_001281492.2); c.-69A>T (NM_001281493.2, NM_001281494.2, NM_001406811.1 and 6 more transcripts); c.934A>T, p.Ser312Cys (NM_001406795.1, NM_001406802.1); c.838A>T, p.Ser280Cys (NM_001406796.1, NM_001406798.1, NM_001406800.1 and 4 more transcripts); c.541A>T, p.Ser181Cys (NM_001406797.1, NM_001406801.1, NM_001406805.1 and 10 more transcripts); c.313A>T, p.Ser105Cys (NM_001406799.1, NM_001406806.1, NM_001406807.1); c.760A>T, p.Ser254Cys (NM_001406804.1); c.844A>T, p.Ser282Cys (NM_001406813.1); and 1 more; short protein forms S150C, S105C, S224C, S282C, S280C, S312C, S181C, S254C.
Identifiers: ClinVar variation 1763180 (VCV001763180.3), dbSNP rs1558659442, ClinGen allele CA346740499.